The following is an entry in ClinVar:

NM_001378615.1(CC2D2A):c.3261C>A (p.Thr1087=)

Genes: CC2D2A (coiled-coil and C2 domain containing 2A; plus strand), FBXL5 (F-box and leucine rich repeat protein 5; minus strand). Cytogenetic location: 4p15.32.
Variant type: single nucleotide variant.
Coding change: c.3261C>A on transcript NM_001378615.1 (MANE Select); coding-DNA position 3261, C replaced by A.
Protein change: p.Thr1087=; no amino-acid change (threonine 1087 retained).
Molecular consequence: synonymous variant.
Genome position (GRCh38, 1-based): chr4:15,567,455, C>A. VCF-style: chr4-15567455-C-A. GRCh37 (hg19) VCF-style: chr4-15569078-C-A.
Other names: c.3261C>A, p.Thr1087= (NM_001080522.2); c.3114C>A, p.Thr1038= (NM_001378617.1).
Identifiers: ClinVar variation 3755278 (VCV003755278.3).

ClinVar aggregate classification (germline): Likely benign. Review status: criteria provided, multiple submitters, no conflicts (2 of 4 stars). 2 submissions from 2 submitters: Likely benign (2). Last evaluated 2025-09-12.

Conditions:
Joubert syndrome. Also called: JOUBERT-BOLTSHAUSER SYNDROME; Familial aplasia of the vermis. Identifiers: Orphanet 475, MedGen C5979921, MONDO:0018772.
Meckel-Gruber syndrome. Also called: DYSENCEPHALIA SPLANCHNOCYSTICA; GRUBER SYNDROME; Dysencephalia splachnocystica. Identifiers: Orphanet 564, MedGen C0265215, MONDO:0018921.
CC2D2A-related disorder. Also called: CC2D2A-related condition; CC2D2A-related disorders. Identifiers: MedGen CN239313.

gnomAD v4.1: 6 of 1,613,588 alleles (0.00037%); highest among the groups gnomAD compares: Non-Finnish European, 0.00051%; no homozygotes.

Submissions (2):

PreventionGenetics, part of Exact Sciences
Classification: Likely benign for CC2D2A-related condition. Last evaluated: 2025-09-12. Review status: criteria provided, single submitter. Criteria: ACMG Guidelines, 2015. Collection method: clinical testing. Allele origin: germline.
Comment: This variant is classified as likely benign based on ACMG/AMP sequence variant interpretation guidelines (Richards et al. 2015 PMID: 25741868, with internal and published modifications).

Labcorp Genetics (formerly Invitae), Labcorp
Classification: Likely benign for Joubert syndrome; Meckel-Gruber syndrome. Last evaluated: 2024-11-13. Review status: criteria provided, single submitter. Criteria: Invitae Variant Classification Sherloc (09022015). Collection method: clinical testing. Allele origin: germline.